The following is an entry in ClinVar:

ClinVar aggregate classification (germline): Likely benign (0 of 4 stars; one submission).

Conditions:
CSF1R-related disorder. Also called: CSF1R-related condition. Identifiers: MedGen CN379780, MONDO:0100632.

Allele frequency attached by ClinVar (database versions not stated): gnomAD 0.00010; gnomAD exomes 0.00012; TOPMed 0.00014.
gnomAD v4.1: 72 of 622,038 alleles (0.012%); highest among the groups gnomAD compares: Non-Finnish European, 0.017%; no homozygotes.

Submission:

PreventionGenetics, part of Exact Sciences
Classification: Likely benign for CSF1R-related condition. Last evaluated: 2022-11-18. Review status: no assertion criteria provided. Collection method: clinical testing. Allele origin: germline.
Comment: This variant is classified as likely benign based on ACMG/AMP sequence variant interpretation guidelines (Richards et al. 2015 PMID: 25741868, with internal and published modifications).

NM_001288705.3(CSF1R):c.1969+125C>T

Gene: CSF1R (colony stimulating factor 1 receptor; minus strand). Cytogenetic location: 5q32.
Variant type: single nucleotide variant.
Coding change: c.1969+125C>T on transcript NM_001288705.3 (MANE Select); 125 bases into the intron after coding-DNA position 1969, C replaced by T.
Molecular consequence: intron variant.
Genome position (GRCh38, 1-based): chr5:150,060,737, G>A on the plus strand (C>T on the coding strand, the complement: CSF1R is on the minus strand). VCF-style: chr5-150060737-G-A. GRCh37 (hg19) VCF-style: chr5-149440300-G-A.
Other names: c.1525+125C>T (NM_001375321.1); c.1969+125C>T (NM_005211.4, NM_001375320.1, NM_001349736.2).
Identifiers: ClinVar variation 3058331 (VCV003058331.2), dbSNP rs893634974, ClinGen allele CA129061518.